The following is an entry in ClinVar:

ClinVar aggregate classification (germline): Uncertain significance. Review status: criteria provided, multiple submitters, no conflicts (2 of 4 stars). 2 submissions from 2 submitters: Uncertain significance (2). Last evaluated 2025-09-13.

Conditions:
MFN2-related disorder. Also called: MFN2-related disorders; MFN2-related condition.
Charcot-Marie-Tooth disease type 2. Also called: Charcot-Marie-Tooth type 2. Identifiers: Orphanet 64746, MedGen C0270914, MONDO:0018993.

Allele frequency attached by ClinVar (database versions not stated): 1000 Genomes Project 30x 0.00016; 1000 Genomes Project 0.00020; gnomAD exomes below 0.00001 and 0.00001; ExAC 0.00001; gnomAD 0.00001.
gnomAD v4.1: 8 of 1,614,170 alleles (0.0005%); highest among the groups gnomAD compares: South Asian, 0.0011%; no homozygotes.

Submissions (2):

Labcorp Genetics (formerly Invitae), Labcorp
Classification: Uncertain significance for Charcot-Marie-Tooth disease type 2. Last evaluated: 2025-09-13. Review status: criteria provided, single submitter. Criteria: Invitae Variant Classification Sherloc (09022015). Collection method: clinical testing. Allele origin: germline.
Comment: This sequence change replaces threonine, which is neutral and polar, with alanine, which is neutral and non-polar, at codon 71 of the MFN2 protein (p.Thr71Ala). This variant is present in population databases (rs548809273, gnomAD 0.0009%). This variant has not been reported in the literature in individuals affected with MFN2-related conditions. ClinVar contains an entry for this variant (Variation ID: 579822). Invitae Evidence Modeling of protein sequence and biophysical properties (such as structural, functional, and spatial information, amino acid conservation, physicochemical variation, residue mobility, and thermodynamic stability) has been performed for this missense variant. However, the output from this modeling did not meet the statistical confidence thresholds required to predict the impact of this variant on MFN2 protein function. In summary, the available evidence is currently insufficient to determine the role of this variant in disease. Therefore, it has been classified as a Variant of Uncertain Significance.

PreventionGenetics, part of Exact Sciences
Classification: Uncertain significance for MFN2-related condition. Last evaluated: 2025-05-08. Review status: criteria provided, single submitter. Criteria: ACMG Guidelines, 2015. Collection method: clinical testing. Allele origin: germline.
Comment: The MFN2 c.211A>G variant is predicted to result in the amino acid substitution p.Thr71Ala. To our knowledge, this variant has not been reported in the literature. This variant is reported in 0.00088% of alleles in individuals of European (Non-Finnish) descent in gnomAD. At this time, the clinical significance of this variant is uncertain due to the absence of conclusive functional and genetic evidence.

NM_014874.4(MFN2):c.211A>G (p.Thr71Ala)

Gene: MFN2 (mitofusin 2; plus strand). Cytogenetic location: 1p36.22.
Variant type: single nucleotide variant.
Coding change: c.211A>G on transcript NM_014874.4 (MANE Select); coding-DNA position 211, A replaced by G.
Protein change: p.Thr71Ala; replaces threonine 71 with alanine.
Molecular consequence: missense variant.
Genome position (GRCh38, 1-based): chr1:11,992,590, A>G. VCF-style: chr1-11992590-A-G. GRCh37 (hg19) VCF-style: chr1-12052647-A-G.
Other names: c.211A>G, p.Thr71Ala (NM_001127660.2); short protein forms T71A.
Identifiers: ClinVar variation 579822 (VCV000579822.3), dbSNP rs548809273, ClinGen allele CA598777.